The following is an entry in ClinVar:

ClinVar aggregate classification (germline): Likely benign (1 of 4 stars; one submission).

Conditions:
Osteogenesis imperfecta type 7 (OI7). Also called: OSTEOGENESIS IMPERFECTA, TYPE IIB; Osteogenesis imperfecta type 2B; OI type 2B; Osteogenesis imperfecta, perinatal lethal autosomal recessive; OI type IIB; OI type 7. Identifiers: MedGen C1853162, MONDO:0012536, OMIM 610682.

Allele frequency attached by ClinVar (database versions not stated): gnomAD exomes 0.00022 and 0.00066; ExAC 0.00081; gnomAD 0.00226 and 0.00240; TOPMed 0.00251; ESP Exome Variant Server 0.00284; 1000 Genomes Project 0.00339; 1000 Genomes Project 30x 0.00359.
gnomAD v4.1: 687 of 1,607,388 alleles (0.043%); highest among the groups gnomAD compares: African/African-American, 0.76%; 3 homozygotes.

Submission:

Illumina Laboratory Services, Illumina
Classification: Likely benign for Osteogenesis imperfecta type 7. Last evaluated: 2018-01-13. Review status: criteria provided, single submitter. Criteria: ICSL Variant Classification Criteria 13 December 2019. Collection method: clinical testing. Allele origin: germline.
Comment: This variant was observed in the ICSL laboratory as part of a predisposition screen in an ostensibly healthy population. It had not been previously curated by ICSL or reported in the Human Gene Mutation Database (HGMD: prior to June 1st, 2018), and was therefore a candidate for classification through an automated scoring system. Utilizing variant allele frequency, disease prevalence and penetrance estimates, and inheritance mode, an automated score was calculated to assess if this variant is too frequent to cause the disease. Based on the score and internal cut-off values, a variant classified as likely benign is not then subjected to further curation. The score for this variant resulted in a classification of likely benign for this disease.

NM_006371.5(CRTAP):c.*31C>T

Gene: CRTAP (cartilage associated protein; plus strand). Cytogenetic location: 3p22.3.
Variant type: single nucleotide variant.
Coding change: c.*31C>T on transcript NM_006371.5 (MANE Select); 31 bases downstream of the stop codon, C replaced by T.
Molecular consequence: 3 prime UTR variant.
Genome position (GRCh38, 1-based): chr3:33,142,479, C>T. VCF-style: chr3-33142479-C-T. GRCh37 (hg19) VCF-style: chr3-33183971-C-T.
Identifiers: ClinVar variation 899773 (VCV000899773.4), dbSNP rs149138748, ClinGen allele CA2300531.